The following is an entry in ClinVar:

NM_173483.4(CYP4F22):c.*450C>A

Gene: CYP4F22 (cytochrome P450 family 4 subfamily F member 22; plus strand). Cytogenetic location: 19p13.12.
Variant type: single nucleotide variant.
Coding change: c.*450C>A on transcript NM_173483.4 (MANE Select); 450 bases downstream of the stop codon, C replaced by A.
Molecular consequence: 3 prime UTR variant.
Genome position (GRCh38, 1-based): chr19:15,551,921, C>A. VCF-style: chr19-15551921-C-A. GRCh37 (hg19) VCF-style: chr19-15662732-C-A.
Identifiers: ClinVar variation 328458 (VCV000328458.6), dbSNP rs2280434, ClinGen allele CA10652308.

ClinVar aggregate classification (germline): Benign. Review status: criteria provided, multiple submitters, no conflicts (2 of 4 stars). 2 submissions from 2 submitters: Benign (2). Last evaluated 2018-01-13.

Conditions:
Autosomal recessive congenital ichthyosis 5 (ARCI5). Also called: Ichthyosis, nonlamellar and nonerythrodermic, congenital, autosomal recessive; ICHTHYOSIS CONGENITA III. Identifiers: Orphanet 313, MedGen C1858133, MONDO:0011485, OMIM 604777.

Allele frequency attached by ClinVar (database versions not stated): 1000 Genomes Project 0.41573; TOPMed 0.37466; gnomAD exomes 0.41797; 1000 Genomes Project 30x 0.40834.
gnomAD v4.1: 67,165 of 168,522 alleles (40%); highest among the groups gnomAD compares: East Asian, 53%; 14,627 homozygotes.

Submissions (2):

Illumina Laboratory Services, Illumina
Classification: Benign for Autosomal recessive congenital ichthyosis 5. Last evaluated: 2018-01-13. Review status: criteria provided, single submitter. Criteria: ICSL Variant Classification Criteria 13 December 2019. Collection method: clinical testing. Allele origin: germline.
Comment: This variant was observed in the ICSL laboratory as part of a predisposition screen in an ostensibly healthy population. It had not been previously curated by ICSL or reported in the Human Gene Mutation Database (HGMD: prior to June 1st, 2018), and was therefore a candidate for classification through an automated scoring system. Utilizing variant allele frequency, disease prevalence and penetrance estimates, and inheritance mode, an automated score was calculated to assess if this variant is too frequent to cause the disease. Based on the score and internal cut-off values, a variant classified as benign is not then subjected to further curation. The score for this variant resulted in a classification of benign for this disease.

Breakthrough Genomics
Classification: Benign. Review status: criteria provided, single submitter. Criteria: ACMG Guidelines, 2015. Collection method: not provided. Allele origin: germline. Inheritance: Autosomal recessive inheritance. Affected: yes.